The following is an entry in ClinVar:

NM_001458.5(FLNC):c.4113C>A (p.Phe1371Leu)

Gene: FLNC (filamin C; plus strand). Cytogenetic location: 7q32.1.
Variant type: single nucleotide variant.
Coding change: c.4113C>A on transcript NM_001458.5 (MANE Select); coding-DNA position 4113, C replaced by A.
Protein change: p.Phe1371Leu; replaces phenylalanine 1371 with leucine.
Molecular consequence: missense variant.
Genome position (GRCh38, 1-based): chr7:128,846,449, C>A. VCF-style: chr7-128846449-C-A. GRCh37 (hg19) VCF-style: chr7-128486503-C-A.
Other names: c.4113C>A, p.Phe1371Leu (NM_001127487.2); short protein forms F1371L.
Identifiers: ClinVar variation 5018369 (VCV005018369.1).

ClinVar aggregate classification (germline): Uncertain significance (1 of 4 stars; one submission).

Submission:

GeneDx
Classification: Uncertain significance. Last evaluated: 2026-04-10. Review status: criteria provided, single submitter. Criteria: GeneDx Variant Classification Process June 2021. Collection method: clinical testing. Allele origin: germline.
Comment: Not observed at significant frequency in large population cohorts (gnomAD); In silico analysis supports that this missense variant has a deleterious effect on protein structure/function; Has not been previously published as pathogenic or benign to our knowledge